The following is an entry in ClinVar:

ClinVar aggregate classification (germline): Likely pathogenic (1 of 4 stars; one submission).

Conditions:
Warburg micro syndrome 1 (WARBM1). Identifiers: Orphanet 2510, MedGen C1838625, MONDO:0010822, OMIM 600118.
Martsolf syndrome 2. Identifiers: MedGen C5543626, MONDO:0030376, OMIM 619420.

Submission:

Juno Genomics, Hangzhou Juno Genomics, Inc
Classification: Likely pathogenic for Martsolf syndrome 2; Warburg micro syndrome 1. Review status: criteria provided, single submitter. Criteria: ACMG Guidelines, 2015. Collection method: clinical testing. Allele origin: germline.
Comment: Null variant in a gene where loss of function (LOF) is a known mechanism of disease.;Absent from controls (or at extremely low frequency if recessive) in Genome Aggregation Database.

NM_012233.3(RAB3GAP1):c.175G>T (p.Glu59Ter)

Gene: RAB3GAP1 (RAB3 GTPase activating protein catalytic subunit 1; plus strand). Cytogenetic location: 2q21.3.
Variant type: single nucleotide variant.
Coding change: c.175G>T on transcript NM_012233.3 (MANE Select); coding-DNA position 175, G replaced by T.
Protein change: p.Glu59Ter; replaces glutamic acid 59 with a stop codon.
Molecular consequence: nonsense.
Genome position (GRCh38, 1-based): chr2:135,091,022, G>T. VCF-style: chr2-135091022-G-T. GRCh37 (hg19) VCF-style: chr2-135848592-G-T.
Other names: c.175G>T, p.Glu59Ter (NM_001172435.2); short protein forms E59*.
Identifiers: ClinVar variation 5006067 (VCV005006067.2).